The following is an entry in ClinVar:

ClinVar aggregate classification (germline): Uncertain significance. Review status: criteria provided, multiple submitters, no conflicts (2 of 4 stars). 3 submissions from 3 submitters: Uncertain significance (3). Last evaluated 2024-06-11.

Conditions:
Familial thoracic aortic aneurysm and aortic dissection (TAAD). Also called: Thoracic aortic aneurysms and dissections. Identifiers: Orphanet 91387, MedGen C4707243, MONDO:0019625.
Aortic aneurysm, familial thoracic 4 (AAT4). Also called: AORTIC ANEURYSM/AORTIC DISSECTION AND PATENT DUCTUS ARTERIOSUS. Identifiers: MedGen C1851504, MONDO:0007568, OMIM 132900.
Megacystis-microcolon-intestinal hypoperistalsis syndrome 2. Identifiers: MedGen C5543476, MONDO:0025708, OMIM 619351.
Visceral myopathy 2. Identifiers: MedGen C5543466, MONDO:0859157, OMIM 619350.

Allele frequency attached by ClinVar (database versions not stated): gnomAD exomes below 0.00001.
gnomAD v4.1: 3 of 1,596,080 alleles (0.00019%); highest among the groups gnomAD compares: Non-Finnish European, 0.00017%; no homozygotes.

Submissions (3):

All of Us Research Program, National Institutes of Health
Classification: Uncertain significance for Familial thoracic aortic aneurysm and aortic dissection. Last evaluated: 2024-06-11. Review status: criteria provided, single submitter. Criteria: ACMG Guidelines, 2015. Collection method: clinical testing. Allele origin: germline. Inheritance: Autosomal dominant inheritance. Observed: 1 variant allele, 1 heterozygote.
Comment: This study involves interpretation of variants in research participants for the purpose of population health screening. Participant phenotype was not available at the time of variant classification. Additional details can be found in publication PMID: 35346344, PMCID: PMC8962531

Fulgent Genetics
Classification: Uncertain significance for Aortic aneurysm, familial thoracic 4; Visceral myopathy 2; Megacystis-microcolon-intestinal hypoperistalsis syndrome 2. Last evaluated: 2021-10-20. Review status: criteria provided, single submitter. Criteria: ACMG Guidelines, 2015. Collection method: clinical testing. Allele origin: unknown.

Labcorp Genetics (formerly Invitae), Labcorp
Classification: Uncertain significance for Aortic aneurysm, familial thoracic 4. Last evaluated: 2020-03-16. Review status: criteria provided, single submitter. Criteria: Invitae Variant Classification Sherloc (09022015). Collection method: clinical testing. Allele origin: germline.
Comment: In summary, the available evidence is currently insufficient to determine the role of this variant in disease. Therefore, it has been classified as a Variant of Uncertain Significance. Algorithms developed to predict the effect of sequence changes on RNA splicing suggest that this variant may disrupt the consensus splice site, but this prediction has not been confirmed by published transcriptional studies. Algorithms developed to predict the effect of missense changes on protein structure and function are either unavailable or do not agree on the potential impact of this missense change (SIFT: "Deleterious"; PolyPhen-2: "Probably Damaging"; Align-GVGD: "Class C0"). This variant has not been reported in the literature in individuals with MYH11-related conditions. This variant is not present in population databases (ExAC no frequency). This sequence change replaces threonine with isoleucine at codon 177 of the MYH11 protein (p.Thr177Ile). The threonine residue is highly conserved and there is a moderate physicochemical difference between threonine and isoleucine.

NM_002474.3(MYH11):c.530C>T (p.Thr177Ile)

Gene: MYH11 (myosin heavy chain 11; minus strand). Cytogenetic location: 16p13.11.
Variant type: single nucleotide variant.
Coding change: c.530C>T on transcript NM_002474.3 (MANE Select); coding-DNA position 530, C replaced by T.
Protein change: p.Thr177Ile; replaces threonine 177 with isoleucine.
Molecular consequence: missense variant.
Genome position (GRCh38, 1-based): chr16:15,798,660, G>A on the plus strand (C>T on the coding strand, the complement: MYH11 is on the minus strand). VCF-style: chr16-15798660-G-A. GRCh37 (hg19) VCF-style: chr16-15892517-G-A.
Other names: c.530C>T, p.Thr177Ile (NM_001040113.2, NM_001040114.2, NM_022844.3); short protein forms T177I.
Identifiers: ClinVar variation 1011017 (VCV001011017.11), dbSNP rs2042809404, ClinGen allele CA394875967.